The following is an entry in ClinVar:

ClinVar aggregate classification (germline): Uncertain significance (1 of 4 stars; one submission).

gnomAD v4.1: 9 of 1,614,176 alleles (0.00056%); highest among the groups gnomAD compares: Non-Finnish European, 0.00076%; no homozygotes.

Submission:

Ambry Genetics
Classification: Uncertain significance. Last evaluated: 2025-01-10. Review status: criteria provided, single submitter. Criteria: Ambry Variant Classification Scheme 2023. Collection method: clinical testing. Allele origin: germline.
Comment: The p.K181T variant (also known as c.542A>C), located in coding exon 1 of the CDK12 gene, results from an A to C substitution at nucleotide position 542. The lysine at codon 181 is replaced by threonine, an amino acid with similar properties. This amino acid position is conserved. In addition, this alteration is predicted to be tolerated by in silico analysis. Based on the available evidence, the clinical significance of this variant remains unclear.

NM_016507.4(CDK12):c.542A>C (p.Lys181Thr)

Genes: CDK12 (cyclin dependent kinase 12; plus strand), LOC126862553 (CDK7 strongly-dependent group 2 enhancer GRCh37_chr17:37618166-37619365; plus strand). Cytogenetic location: 17q12.
Variant type: single nucleotide variant.
Coding change: c.542A>C on transcript NM_016507.4 (MANE Select); coding-DNA position 542, A replaced by C.
Protein change: p.Lys181Thr; replaces lysine 181 with threonine.
Molecular consequence: missense variant.
Genome position (GRCh38, 1-based): chr17:39,462,613, A>C. VCF-style: chr17-39462613-A-C. GRCh37 (hg19) VCF-style: chr17-37618866-A-C.
Other names: c.542A>C, p.Lys181Thr (NM_015083.4); short protein forms K181T.
Identifiers: ClinVar variation 3830481 (VCV003830481.1).